The following is an entry in ClinVar:

ClinVar aggregate classification (germline): Conflicting classifications of pathogenicity. Review status: criteria provided, conflicting classifications (1 of 4 stars). 4 submissions from 4 submitters: Uncertain significance (3); Likely benign (1). Last evaluated 2025-09-10.

Conditions:
Hirschsprung disease, susceptibility to, 1 (HSCR1). Also called: RET-Related Hirschsprung Disease. Identifiers: Orphanet 388, MedGen C3888239, MONDO:0007723, OMIM 142623.
Multiple endocrine neoplasia type 2B. Also called: MEN 2B; MUCOSAL NEUROMA SYNDROME; Multiple endocrine neoplasia, type 3; MULTIPLE ENDOCRINE NEOPLASIA, TYPE IIB; Multiple Endocrine Neoplasia Type 2B (MEN2B); MEN IIB. Identifiers: Orphanet 247709, Orphanet 653, MedGen C0025269, MeSH D018814, MONDO:0008082, OMIM 162300.
Pheochromocytoma. Also called: MAX-Related Hereditary Paraganglioma-Pheochromocytoma Syndrome. Identifiers: Orphanet 29072, MedGen C0031511, MONDO:0008233, OMIM 171300, HP:0002666.
Familial medullary thyroid carcinoma (MTC). Also called: Thyroid cancer, familial medullary; MTC, familial; Familial Medullary Thyroid Carcinoma (FMTC). Identifiers: Orphanet 653, Orphanet 99361, MedGen C1833921, MONDO:0007958, OMIM 155240.
Multiple endocrine neoplasia type 2A. Also called: MULTIPLE ENDOCRINE NEOPLASIA, TYPE IIA; PTC SYNDROME; SIPPLE SYNDROME; MEN 2A; MEN-2A syndrome; Pheochromocytoma and amyloid producing medullary thyroid carcinoma. Identifiers: Orphanet 247698, Orphanet 653, MedGen C0025268, MeSH D018813, MONDO:0008234, OMIM 171400.
Hereditary cancer-predisposing syndrome. Also called: Neoplastic Syndromes, Hereditary; Hereditary Cancer Syndrome; Tumor predisposition; Hereditary neoplastic syndrome. Identifiers: Orphanet 140162, MedGen C0027672, MeSH D009386, MONDO:0015356.
Multiple endocrine neoplasia, type 2 (MEN2). Identifiers: Orphanet 653, MedGen C4048306, MONDO:0019003. Disease mechanism: gain of function.

Allele frequency attached by ClinVar (database versions not stated): TOPMed 0.00001; gnomAD 0.00006.
gnomAD v4.1: 2 of 1,614,042 alleles (0.00012%); highest among the groups gnomAD compares: East Asian, 0.0022%; no homozygotes.

Submissions (4):

Labcorp Genetics (formerly Invitae), Labcorp
Classification: Uncertain significance for Multiple endocrine neoplasia, type 2. Last evaluated: 2025-09-10. Review status: criteria provided, single submitter. Criteria: Invitae Variant Classification Sherloc (09022015). Collection method: clinical testing. Allele origin: germline.
Comment: This sequence change replaces asparagine, which is neutral and polar, with serine, which is neutral and polar, at codon 448 of the RET protein (p.Asn448Ser). This variant is present in population databases (no rsID available, gnomAD 0.06%). This variant has not been reported in the literature in individuals affected with RET-related conditions. ClinVar contains an entry for this variant (Variation ID: 648291). An algorithm developed to predict the effect of missense changes on protein structure and function (PolyPhen-2) suggests that this variant is likely to be tolerated. In summary, the available evidence is currently insufficient to determine the role of this variant in disease. Therefore, it has been classified as a Variant of Uncertain Significance.

GeneDx
Classification: Uncertain significance. Last evaluated: 2025-07-16. Review status: criteria provided, single submitter. Criteria: GeneDx Variant Classification Process June 2021. Collection method: clinical testing. Allele origin: germline. Affected: yes.
Comment: In silico analysis suggests that this missense variant does not alter protein structure/function; Has not been previously published as pathogenic or benign to our knowledge; This variant is associated with the following publications: (PMID: 14633923)

Fulgent Genetics
Classification: Uncertain significance for Hirschsprung disease, susceptibility to, 1; Familial medullary thyroid carcinoma; Multiple endocrine neoplasia type 2B; Pheochromocytoma; Multiple endocrine neoplasia type 2A. Last evaluated: 2024-02-29. Review status: criteria provided, single submitter. Criteria: ACMG Guidelines, 2015. Collection method: clinical testing. Allele origin: germline.

Ambry Genetics
Classification: Likely benign for Hereditary cancer-predisposing syndrome. Last evaluated: 2023-08-21. Review status: criteria provided, single submitter. Criteria: Ambry Variant Classification Scheme 2023. Collection method: clinical testing. Allele origin: germline.

NM_020975.6(RET):c.1343A>G (p.Asn448Ser)

Gene: RET (ret proto-oncogene; plus strand). Cytogenetic location: 10q11.21.
Variant type: single nucleotide variant.
Coding change: c.1343A>G on transcript NM_020975.6 (MANE Select); coding-DNA position 1343, A replaced by G.
Protein change: p.Asn448Ser; replaces asparagine 448 with serine.
Molecular consequence: missense variant.
Genome position (GRCh38, 1-based): chr10:43,111,286, A>G. VCF-style: chr10-43111286-A-G. GRCh37 (hg19) VCF-style: chr10-43606734-A-G.
Other names: c.1343A>G, p.Asn448Ser (NM_000323.2, NM_001406743.1, NM_001406744.1 and 6 more transcripts); c.581A>G, p.Asn194Ser (NM_001355216.2); c.1214A>G, p.Asn405Ser (NM_001406761.1, NM_001406762.1, NM_001406764.1 and 1 more transcripts); c.905A>G, p.Asn302Ser (NM_001406773.1, NM_001406771.1); c.818A>G, p.Asn273Ser (NM_001406774.1); c.617A>G, p.Asn206Ser (NM_001406775.1, NM_001406776.1, NM_001406777.1 and 1 more transcripts); c.353A>G, p.Asn118Ser (NM_001406784.1); c.1055A>G, p.Asn352Ser (NM_001406766.1, NM_001406767.1, NM_001406770.1); and 1 more; short protein forms N194S, N448S, N352S, N405S, N206S, N302S, N316S, N118S.
Identifiers: ClinVar variation 648291 (VCV000648291.12), dbSNP rs760832715, ClinGen allele CA376549104.